The following is an entry in ClinVar:

ClinVar aggregate classification (germline): Pathogenic (1 of 4 stars; one submission).

Conditions:
Familial hemophagocytic lymphohistiocytosis 3 (FHL3). Also called: UNC13D-Related Familial Hemophagocytic Lymphohistiocytosis (UNC13D-fHLH). Identifiers: Orphanet 540, MedGen C1837174, MONDO:0012146, OMIM 608898.

Submission:

Labcorp Genetics (formerly Invitae), Labcorp
Classification: Pathogenic for Familial hemophagocytic lymphohistiocytosis 3. Last evaluated: 2023-07-21. Review status: criteria provided, single submitter. Criteria: Invitae Variant Classification Sherloc (09022015). Collection method: clinical testing. Allele origin: germline.
Comment: This sequence change creates a premature translational stop signal (p.Phe949Leufs*4) in the UNC13D gene. It is expected to result in an absent or disrupted protein product. Loss-of-function variants in UNC13D are known to be pathogenic (PMID: 14622600). This variant is not present in population databases (gnomAD no frequency). This variant has not been reported in the literature in individuals affected with UNC13D-related conditions. For these reasons, this variant has been classified as Pathogenic.

Literature cited by the submitters: PubMed 14622600.

NM_199242.3(UNC13D):c.2847del (p.Phe949fs)

Genes: UNC13D (unc-13 homolog D; minus strand), LOC112533672 (Sharpr-MPRA regulatory region 1193; plus strand). Cytogenetic location: 17q25.1.
Variant type: Deletion.
Coding change: c.2847del on transcript NM_199242.3 (MANE Select); coding-DNA position 2847, one base deleted (T; older notation c.2847delT).
Protein change: p.Phe949fs; shifts the reading frame from phenylalanine 949.
Molecular consequence: frameshift variant.
Genome position (GRCh38, 1-based): chr17:75,830,135, A deleted on the plus strand (T on the coding strand, the reverse complement: UNC13D is on the minus strand); the first of 3 consecutive A bases (chr17:75,830,135-75,830,137); deleting any one gives the same sequence. VCF-style (leftmost placement, unchanged base first): chr17-75830134-CA-C. GRCh37 (hg19) VCF-style: chr17-73826215-CA-C.
Other names: short protein forms F949fs.
Identifiers: ClinVar variation 2745622 (VCV002745622.3), dbSNP rs2545976468, ClinGen allele CA2639898156.
Genomic context (GRCh38, chr17:75,830,134, plus strand): 5'-TCTGGGTCTCCCGGGCGGCCAGCTCAGGGAACTCATGCCTGGGCTCCAAGGTCAGCTGGA[CA>C]AAGGGGTCGCTGGAGCCTGGTAAGTGGCCGGGGAGTGTGCGTCAGCTGAGGGTCTCCCAG-3'